The following is an entry in ClinVar:

ClinVar aggregate classification (germline): Uncertain significance. Review status: criteria provided, multiple submitters, no conflicts (2 of 4 stars). 2 submissions from 2 submitters: Uncertain significance (2). Last evaluated 2026-02-16.

gnomAD v4.1: 149 of 1,613,584 alleles (0.0092%); highest among the groups gnomAD compares: East Asian, 0.013%; no homozygotes.

Submissions (2):

Women's Health and Genetics/Laboratory Corporation of America, LabCorp
Classification: Uncertain significance. Last evaluated: 2026-02-16. Review status: criteria provided, single submitter. Criteria: LabCorp Variant Classification Summary - May 2015. Collection method: clinical testing. Allele origin: germline.
Comment: Variant summary: CTDP1 c.2225C>T (p.Ala742Val) results in a non-conservative amino acid change in the encoded protein sequence. Algorithms developed to predict the effect of missense changes on protein structure and function are either unavailable or do not agree on the potential impact of this missense change. The variant allele was found at a frequency of 7.2e-05 in 250386 control chromosomes. This frequency is not significantly higher than estimated for disease-causing variants in CTDP1, allowing no conclusion about variant significance. To our knowledge, no occurrence of c.2225C>T in individuals affected with CTDP1-related conditions and no experimental evidence demonstrating its impact on protein function have been reported. ClinVar contains an entry for this variant (Variation ID: 3270034). Based on the evidence outlined above, the variant was classified as uncertain significance.

Ambry Genetics
Classification: Uncertain significance. Last evaluated: 2024-04-06. Review status: criteria provided, single submitter. Criteria: Ambry Variant Classification Scheme 2023. Collection method: clinical testing. Allele origin: germline.

NM_004715.5(CTDP1):c.2225C>T (p.Ala742Val)

Gene: CTDP1 (CTD phosphatase subunit 1; plus strand). Cytogenetic location: 18q23.
Variant type: single nucleotide variant.
Coding change: c.2225C>T on transcript NM_004715.5 (MANE Select); coding-DNA position 2225, C replaced by T.
Protein change: p.Ala742Val; replaces alanine 742 with valine.
Molecular consequence: missense variant.
Genome position (GRCh38, 1-based): chr18:79,717,824, C>T. VCF-style: chr18-79717824-C-T. GRCh37 (hg19) VCF-style: chr18-77477824-C-T.
Other names: c.1868C>T, p.Ala623Val (NM_001202504.1); c.2225C>T, p.Ala742Val (NM_001318511.2, NM_048368.4); short protein forms A623V, A742V.
Identifiers: ClinVar variation 3270034 (VCV003270034.2).